The following is an entry in ClinVar:

NM_001692.4(ATP6V1B1):c.905G>C (p.Arg302Pro)

Gene: ATP6V1B1 (ATPase H+ transporting V1 subunit B1; plus strand). Cytogenetic location: 2p13.3.
Variant type: single nucleotide variant.
Coding change: c.905G>C on transcript NM_001692.4 (MANE Select); coding-DNA position 905, G replaced by C.
Protein change: p.Arg302Pro; replaces arginine 302 with proline.
Molecular consequence: missense variant.
Genome position (GRCh38, 1-based): chr2:70,962,896, G>C. VCF-style: chr2-70962896-G-C. GRCh37 (hg19) VCF-style: chr2-71190026-G-C.
Other names: short protein forms R302P.
Identifiers: ClinVar variation 554502 (VCV000554502.4), dbSNP rs782461130, ClinGen allele CA347185254.

ClinVar aggregate classification (germline): Uncertain significance. Review status: criteria provided, multiple submitters, no conflicts (2 of 4 stars). 3 submissions from 3 submitters: Uncertain significance (2). 1 of the submissions does not count toward it. Last evaluated 2024-06-14.

Conditions:
Renal tubular acidosis with progressive nerve deafness. Also called: RENAL TUBULAR ACIDOSIS, AUTOSOMAL RECESSIVE, WITH PROGRESSIVE NERVE DEAFNESS; RTA WITH PROGRESSIVE NERVE DEAFNESS; renal tubular acidosis, distal, 2, with progressive sensorineural hearing loss; Distal Renal Tubular Acidosis with Progressive Sensorineural Deafness. Identifiers: MedGen C0403554, MONDO:0009968, OMIM 267300.

Allele frequency attached by ClinVar (database versions not stated): TOPMed 0.00012.
gnomAD v4.1: 30 of 1,613,852 alleles (0.0019%); highest among the groups gnomAD compares: Admixed American, 0.048%; no homozygotes.

Submissions (3):

Fulgent Genetics
Classification: Uncertain significance for Renal tubular acidosis with progressive nerve deafness. Last evaluated: 2024-06-14. Review status: criteria provided, single submitter. Criteria: ACMG Guidelines, 2015. Collection method: clinical testing. Allele origin: germline.

Laboratorio de Genetica e Diagnostico Molecular, Hospital Israelita Albert Einstein
Classification: Uncertain significance for Renal tubular acidosis with progressive nerve deafness. Last evaluated: 2023-08-24. Review status: criteria provided, single submitter. Criteria: ACMG Guidelines, 2015. Collection method: clinical testing. Allele origin: germline. Affected: yes.
Comment: ACMG classification criteria: PM2 supporting, PP3 supporting

Counsyl
Classification: Uncertain significance for Renal tubular acidosis with progressive nerve deafness. Last evaluated: 2017-10-24. Review status: no assertion criteria provided. Collection method: clinical testing. Allele origin: unknown. Not counted in ClinVar's aggregate classification.

Literature cited by the submitters: PubMed 28188436 (cited by Counsyl).